The following is an entry in ClinVar:

NM_001371623.1(TCOF1):c.1353T>G (p.Ala451=)

Gene: TCOF1 (treacle ribosome biogenesis factor 1; plus strand). Cytogenetic location: 5q32.
Variant type: single nucleotide variant.
Coding change: c.1353T>G on transcript NM_001371623.1 (MANE Select); coding-DNA position 1353, T replaced by G.
Protein change: p.Ala451=; no amino-acid change (alanine 451 retained).
Molecular consequence: synonymous variant.
Genome position (GRCh38, 1-based): chr5:150,375,028, T>G. VCF-style: chr5-150375028-T-G. GRCh37 (hg19) VCF-style: chr5-149754591-T-G.
Other names: c.1122T>G, p.Ala374= (NM_000356.4, NM_001135245.2); c.1353T>G, p.Ala451= (NM_001008657.3, NM_001135243.2, NM_001135244.2 and 1 more transcripts).
Identifiers: ClinVar variation 3053400 (VCV003053400.2), dbSNP rs774793180, ClinGen allele CA3510842.

ClinVar aggregate classification (germline): Likely benign (0 of 4 stars; one submission).

Conditions:
TCOF1-related disorder. Also called: TCOF1-related condition.

Allele frequency attached by ClinVar (database versions not stated): gnomAD exomes below 0.00001; ExAC 0.00001; TOPMed 0.00003; gnomAD 0.00004; 1000 Genomes Project 30x 0.00031.
gnomAD v4.1: 8 of 1,613,852 alleles (0.0005%); highest among the groups gnomAD compares: African/African-American, 0.0067%; no homozygotes.

Submission:

PreventionGenetics, part of Exact Sciences
Classification: Likely benign for TCOF1-related condition. Last evaluated: 2023-01-13. Review status: no assertion criteria provided. Collection method: clinical testing. Allele origin: germline.
Comment: This variant is classified as likely benign based on ACMG/AMP sequence variant interpretation guidelines (Richards et al. 2015 PMID: 25741868, with internal and published modifications).